The following is an entry in ClinVar:

NM_031844.3(HNRNPU):c.70C>A (p.Arg24Ser)

Gene: HNRNPU (heterogeneous nuclear ribonucleoprotein U; minus strand). Cytogenetic location: 1q44.
Variant type: single nucleotide variant.
Coding change: c.70C>A on transcript NM_031844.3 (MANE Select); coding-DNA position 70, C replaced by A.
Protein change: p.Arg24Ser; replaces arginine 24 with serine.
Molecular consequence: missense variant.
Genome position (GRCh38, 1-based): chr1:244,864,238, G>T on the plus strand (C>A on the coding strand, the complement: HNRNPU is on the minus strand). VCF-style: chr1-244864238-G-T. GRCh37 (hg19) VCF-style: chr1-245027540-G-T.
Other names: c.70C>A, p.Arg24Ser (NM_004501.3); short protein forms R24S.
Identifiers: ClinVar variation 1398248 (VCV001398248.8), dbSNP rs2102991038, ClinGen allele CA345498353.

ClinVar aggregate classification (germline): Uncertain significance (1 of 4 stars; one submission).

Conditions:
Developmental and epileptic encephalopathy, 54. Also called: HNRNPU-Related Neurodevelopmental Disorder; Epileptic encephalopathy, early infantile, 54. Identifiers: MedGen C4479319, MONDO:0033363, OMIM 617391.

Submission:

Labcorp Genetics (formerly Invitae), Labcorp
Classification: Uncertain significance for Developmental and epileptic encephalopathy, 54. Last evaluated: 2021-02-24. Review status: criteria provided, single submitter. Criteria: Invitae Variant Classification Sherloc (09022015). Collection method: clinical testing. Allele origin: germline.
Comment: This sequence change replaces arginine with serine at codon 24 of the HNRNPU protein (p.Arg24Ser). The arginine residue is weakly conserved and there is a moderate physicochemical difference between arginine and serine. This variant is not present in population databases (ExAC no frequency). This variant has not been reported in the literature in individuals with HNRNPU-related conditions. Algorithms developed to predict the effect of missense changes on protein structure and function are either unavailable or do not agree on the potential impact of this missense change (SIFT: "Tolerated"; PolyPhen-2: "Probably Damaging"; Align-GVGD: "Class C0"). In summary, the available evidence is currently insufficient to determine the role of this variant in disease. Therefore, it has been classified as a Variant of Uncertain Significance.